The following is an entry in ClinVar:

ClinVar aggregate classification (germline): Uncertain significance (1 of 4 stars; one submission).

Conditions:
Cardiovascular phenotype. Identifiers: MedGen CN230736.
Hereditary cancer-predisposing syndrome. Also called: Tumor predisposition; Neoplastic Syndromes, Hereditary; Hereditary Cancer Syndrome; Hereditary neoplastic syndrome. Identifiers: Orphanet 140162, MedGen C0027672, MeSH D009386, MONDO:0015356.

Submission:

Ambry Genetics
Classification: Uncertain significance for Cardiovascular phenotype; Hereditary cancer-predisposing syndrome. Last evaluated: 2024-12-25. Review status: criteria provided, single submitter. Criteria: Ambry Variant Classification Scheme 2023. Collection method: clinical testing. Allele origin: germline.
Comment: The p.Q568L variant (also known as c.1703A>T), located in coding exon 15 of the LZTR1 gene, results from an A to T substitution at nucleotide position 1703. The glutamine at codon 568 is replaced by leucine, an amino acid with dissimilar properties. This amino acid position is conserved. In addition, the in silico prediction for this alteration is inconclusive. Based on the available evidence, the clinical significance of this variant remains unclear.

NM_006767.4(LZTR1):c.1703A>T (p.Gln568Leu)

Gene: LZTR1 (leucine zipper like post translational regulator 1; plus strand). Cytogenetic location: 22q11.21.
Variant type: single nucleotide variant.
Coding change: c.1703A>T on transcript NM_006767.4 (MANE Select); coding-DNA position 1703, A replaced by T.
Protein change: p.Gln568Leu; replaces glutamine 568 with leucine.
Molecular consequence: missense variant.
Genome position (GRCh38, 1-based): chr22:20,994,645, A>T. VCF-style: chr22-20994645-A-T. GRCh37 (hg19) VCF-style: chr22-21348934-A-T.
Other names: short protein forms Q568L.
Identifiers: ClinVar variation 3869279 (VCV003869279.1).